The following is an entry in ClinVar:

NM_015909.4(NBAS):c.6390T>G (p.Phe2130Leu)

Gene: NBAS (NBAS subunit of NRZ tethering complex; minus strand). Cytogenetic location: 2p24.3.
Variant type: single nucleotide variant.
Coding change: c.6390T>G on transcript NM_015909.4 (MANE Select); coding-DNA position 6390, T replaced by G.
Protein change: p.Phe2130Leu; replaces phenylalanine 2130 with leucine.
Molecular consequence: missense variant.
Genome position (GRCh38, 1-based): chr2:15,218,815, A>C on the plus strand (T>G on the coding strand, the complement: NBAS is on the minus strand). VCF-style: chr2-15218815-A-C. GRCh37 (hg19) VCF-style: chr2-15358939-A-C.
Other names: short protein forms F2130L.
Identifiers: ClinVar variation 722924 (VCV000722924.14), dbSNP rs114448506, ClinGen allele CA1535020.

ClinVar aggregate classification (germline): Likely benign. Review status: criteria provided, multiple submitters, no conflicts (2 of 4 stars). 4 submissions from 4 submitters: Likely benign (3). 1 of the submissions does not count toward it. Last evaluated 2026-01-13.

Conditions:
NBAS-related disorder. Also called: NBAS-related condition.

Allele frequency attached by ClinVar (database versions not stated): gnomAD exomes 0.00039; ExAC 0.00054; gnomAD 0.00213 and 0.00223; TOPMed 0.00221; 1000 Genomes Project 0.00240; 1000 Genomes Project 30x 0.00281; ESP Exome Variant Server 0.00292.
gnomAD v4.1: 626 of 1,614,228 alleles (0.039%); highest among the groups gnomAD compares: African/African-American, 0.78%; 7 homozygotes.

Submissions (4):

Labcorp Genetics (formerly Invitae), Labcorp
Classification: Likely benign. Last evaluated: 2026-01-13. Review status: criteria provided, single submitter. Criteria: Invitae Variant Classification Sherloc (09022015). Collection method: clinical testing. Allele origin: germline.

Blueprint Genetics
Classification: Likely benign. Last evaluated: 2024-07-02. Review status: criteria provided, single submitter. Criteria: ACMG Guidelines, 2015. Collection method: clinical testing. Allele origin: germline.

Breakthrough Genomics
Classification: Likely benign. Review status: criteria provided, single submitter. Criteria: ACMG Guidelines, 2015. Collection method: not provided. Allele origin: germline. Inheritance: Autosomal recessive inheritance. Affected: yes.

PreventionGenetics, part of Exact Sciences
Classification: Likely benign for NBAS-related condition. Last evaluated: 2020-04-24. Review status: no assertion criteria provided. Collection method: clinical testing. Allele origin: germline. Not counted in ClinVar's aggregate classification.
Comment: This variant is classified as likely benign based on ACMG/AMP sequence variant interpretation guidelines (Richards et al. 2015 PMID: 25741868, with internal and published modifications).